The following is an entry in ClinVar:

ClinVar aggregate classification (germline): Conflicting classifications of pathogenicity. Review status: criteria provided, conflicting classifications (1 of 4 stars). 6 submissions from 6 submitters: Uncertain significance (5); Likely benign (1). Last evaluated 2026-09-08.

Conditions:
BBS7-related disorder. Also called: BBS7-related condition.
Bardet-Biedl syndrome (BBS). Identifiers: Orphanet 110, MedGen C0752166, MONDO:0015229.
Bardet-Biedl syndrome 7 (BBS7). Identifiers: Orphanet 110, MedGen C1859565, MONDO:0014435, OMIM 615984.

Allele frequency attached by ClinVar (database versions not stated): gnomAD exomes 0.00023 and 0.00040; ESP Exome Variant Server 0.00038; TOPMed 0.00038; ExAC 0.00039.
gnomAD v4.1: 629 of 1,602,722 alleles (0.039%); highest among the groups gnomAD compares: Non-Finnish European, 0.049%; no homozygotes.

Submissions (6):

PreventionGenetics, part of Exact Sciences
Classification: Uncertain significance for BBS7-related condition. Last evaluated: 2026-09-08. Review status: criteria provided, single submitter. Criteria: ACMG Guidelines, 2015. Collection method: clinical testing. Allele origin: germline.
Comment: The BBS7 c.1263T>A variant is predicted to result in the amino acid substitution p.Asp421Glu. To our knowledge, this variant has not been reported in the literature. This variant is reported in 0.044% of alleles in individuals of European (Non-Finnish) descent in gnomAD. At this time, the clinical significance of this variant is uncertain due to the absence of conclusive functional and genetic evidence.

GeneDx
Classification: Uncertain significance. Last evaluated: 2025-10-05. Review status: criteria provided, single submitter. Criteria: GeneDx Variant Classification Process June 2021. Collection method: clinical testing. Allele origin: germline.
Comment: Has not been previously published as pathogenic or benign to our knowledge; In silico analysis suggests that this missense variant does not alter protein structure/function

Blueprint Genetics
Classification: Likely benign. Last evaluated: 2024-08-28. Review status: criteria provided, single submitter. Criteria: ACMG Guidelines, 2015. Collection method: clinical testing. Allele origin: germline.

Labcorp Genetics (formerly Invitae), Labcorp
Classification: Uncertain significance for Bardet-Biedl syndrome. Last evaluated: 2022-10-24. Review status: criteria provided, single submitter. Criteria: Invitae Variant Classification Sherloc (09022015). Collection method: clinical testing. Allele origin: germline.
Comment: This sequence change replaces aspartic acid, which is acidic and polar, with glutamic acid, which is acidic and polar, at codon 421 of the BBS7 protein (p.Asp421Glu). This variant is present in population databases (rs146412602, gnomAD 0.05%). This variant has not been reported in the literature in individuals affected with BBS7-related conditions. ClinVar contains an entry for this variant (Variation ID: 838538). Advanced modeling of protein sequence and biophysical properties (such as structural, functional, and spatial information, amino acid conservation, physicochemical variation, residue mobility, and thermodynamic stability) performed at Invitae indicates that this missense variant is not expected to disrupt BBS7 protein function. In summary, the available evidence is currently insufficient to determine the role of this variant in disease. Therefore, it has been classified as a Variant of Uncertain Significance.

Fulgent Genetics
Classification: Uncertain significance for Bardet-Biedl syndrome 7. Last evaluated: 2022-02-18. Review status: criteria provided, single submitter. Criteria: ACMG Guidelines, 2015. Collection method: clinical testing. Allele origin: unknown.

Illumina Laboratory Services, Illumina
Classification: Uncertain significance for Bardet-Biedl syndrome 7. Last evaluated: 2018-01-13. Review status: criteria provided, single submitter. Criteria: ICSL Variant Classification Criteria 13 December 2019. Collection method: clinical testing. Allele origin: germline.

NM_176824.3(BBS7):c.1263T>A (p.Asp421Glu)

Gene: BBS7 (Bardet-Biedl syndrome 7; minus strand). Cytogenetic location: 4q27.
Variant type: single nucleotide variant.
Coding change: c.1263T>A on transcript NM_176824.3 (MANE Select); coding-DNA position 1263, T replaced by A.
Protein change: p.Asp421Glu; replaces aspartic acid 421 with glutamic acid.
Molecular consequence: missense variant.
Genome position (GRCh38, 1-based): chr4:121,843,969, A>T on the plus strand (T>A on the coding strand, the complement: BBS7 is on the minus strand). VCF-style: chr4-121843969-A-T. GRCh37 (hg19) VCF-style: chr4-122765124-A-T.
Other names: c.1263T>A, p.Asp421Glu (NM_018190.4); short protein forms D421E.
Identifiers: ClinVar variation 838538 (VCV000838538.15), dbSNP rs146412602, ClinGen allele CA3064282.